The following is an entry in ClinVar:

NM_000138.5(FBN1):c.2795C>G (p.Ser932Ter)

Gene: FBN1 (fibrillin 1; minus strand). Cytogenetic location: 15q21.1.
Variant type: single nucleotide variant.
Coding change: c.2795C>G on transcript NM_000138.5 (MANE Select); coding-DNA position 2795, C replaced by G.
Protein change: p.Ser932Ter; replaces serine 932 with a stop codon.
Molecular consequence: nonsense.
Genome position (GRCh38, 1-based): chr15:48,492,520, G>C on the plus strand (C>G on the coding strand, the complement: FBN1 is on the minus strand). VCF-style: chr15-48492520-G-C. GRCh37 (hg19) VCF-style: chr15-48784717-G-C.
Other names: c.2795C>G, p.Ser932Ter (NM_001406716.1); short protein forms S932*.
Identifiers: ClinVar variation 2921310 (VCV002921310.3), dbSNP rs2505564482, ClinGen allele CA392330647.

ClinVar aggregate classification (germline): Pathogenic (1 of 4 stars; one submission).

Conditions:
Marfan syndrome (MFS). Also called: MARFAN SYNDROME, TYPE I; Marfan syndrome type 1; Marfan's syndrome; Marfan syndrome, classic; FBN1-Related Marfan Syndrome. Identifiers: Orphanet 284963, Orphanet 558, MedGen C0024796, MONDO:0007947, OMIM 154700.
Familial thoracic aortic aneurysm and aortic dissection (TAAD). Also called: Thoracic aortic aneurysms and dissections. Identifiers: Orphanet 91387, MedGen C4707243, MONDO:0019625.

Submission:

Labcorp Genetics (formerly Invitae), Labcorp
Classification: Pathogenic for Marfan syndrome; Familial thoracic aortic aneurysm and aortic dissection. Last evaluated: 2023-12-11. Review status: criteria provided, single submitter. Criteria: Invitae Variant Classification Sherloc (09022015). Collection method: clinical testing. Allele origin: germline.
Comment: This sequence change creates a premature translational stop signal (p.Ser932*) in the FBN1 gene. It is expected to result in an absent or disrupted protein product. Loss-of-function variants in FBN1 are known to be pathogenic (PMID: 17657824, 19293843). This variant is not present in population databases (gnomAD no frequency). This variant has not been reported in the literature in individuals affected with FBN1-related conditions. For these reasons, this variant has been classified as Pathogenic.

Literature cited by the submitters: PubMed 17657824; PubMed 19293843.